The following is an entry in ClinVar:

NM_003002.4(SDHD):c.198G>A (p.Trp66Ter)

Gene: SDHD (succinate dehydrogenase complex subunit D; plus strand). Cytogenetic location: 11q23.1.
Variant type: single nucleotide variant.
Coding change: c.198G>A on transcript NM_003002.4 (MANE Select); coding-DNA position 198, G replaced by A.
Protein change: p.Trp66Ter; replaces tryptophan 66 with a stop codon.
Molecular consequence: nonsense. On other transcripts: non-coding transcript variant (1), intron variant (1).
Genome position (GRCh38, 1-based): chr11:112,088,895, G>A. VCF-style: chr11-112088895-G-A. GRCh37 (hg19) VCF-style: chr11-111959619-G-A.
Other names: c.81G>A, p.Trp27Ter (NM_001276504.2); c.198G>A, p.Trp66Ter (NM_001276506.2); c.169+922G>A (NM_001276503.2); short protein forms W27*, W66*.
Identifiers: ClinVar variation 2226832 (VCV002226832.5), dbSNP rs2135269244, ClinGen allele CA382617209.
Genomic context (GRCh38, chr11:112,088,895, plus strand): 5'-ATCAACTTTTATGAATCTGGTCCTTTTTGTAGCTGGCTCCAAGGCTGCATCTCTCCACTG[G>A]ACTAGCGAGAGGGTTGTCAGTGTTTTGCTCCTGGGTCTGCTTCCGGCTGCTTATTTGAAT-3'

ClinVar aggregate classification (germline): Pathogenic. Review status: criteria provided, multiple submitters, no conflicts (2 of 4 stars). 2 submissions from 2 submitters: Pathogenic (2). Last evaluated 2023-02-21.

Conditions:
Hereditary cancer-predisposing syndrome. Also called: Neoplastic Syndromes, Hereditary; Tumor predisposition; Hereditary Cancer Syndrome; Hereditary neoplastic syndrome. Identifiers: Orphanet 140162, MedGen C0027672, MeSH D009386, MONDO:0015356.
Pheochromocytoma. Also called: MAX-Related Hereditary Paraganglioma-Pheochromocytoma Syndrome. Identifiers: Orphanet 29072, MedGen C0031511, MONDO:0008233, OMIM 171300, HP:0002666.
Paragangliomas with sensorineural hearing loss. Identifiers: MedGen C1868633.
Cowden syndrome 3 (CWS3). Identifiers: Orphanet 201, MedGen CN166604, MONDO:0014045.
Carney-Stratakis syndrome. Also called: PARAGANGLIOMA AND GASTROINTESTINAL STROMAL TUMOR. Identifiers: Orphanet 97286, MedGen C1847319, MONDO:0011740, OMIM 606864.

Submissions (2):

Labcorp Genetics (formerly Invitae), Labcorp
Classification: Pathogenic for Carney-Stratakis syndrome; Paragangliomas with sensorineural hearing loss; Pheochromocytoma; Cowden syndrome 3. Last evaluated: 2023-02-21. Review status: criteria provided, single submitter. Criteria: Invitae Variant Classification Sherloc (09022015). Collection method: clinical testing. Allele origin: germline.
Comment: For these reasons, this variant has been classified as Pathogenic. Experimental studies are conflicting or provide insufficient evidence to determine the effect of this variant on SDHD function (PMID: 22041456). Algorithms developed to predict the effect of variants on protein structure and function are not available or were not evaluated for this variant. This premature translational stop signal has been observed in individual(s) with SDHD-related conditions (PMID: 21318381). This variant is not present in population databases (gnomAD no frequency). This sequence change creates a premature translational stop signal (p.Trp66*) in the SDHD gene. It is expected to result in an absent or disrupted protein product. Loss-of-function variants in SDHD are known to be pathogenic (PMID: 19454582, 19802898).

Ambry Genetics
Classification: Pathogenic for Hereditary cancer-predisposing syndrome. Last evaluated: 2020-04-29. Review status: criteria provided, single submitter. Criteria: Ambry Variant Classification Scheme 2023. Collection method: clinical testing. Allele origin: germline.
Comment: The c.198G>A (p.W66*) alteration, located in coding exon 3 of the SDHD gene, consists of a G to A substitution at nucleotide position 198. This changes the amino acid from a tryptophan (W) to a stop codon at amino acid position 66. In addition to the clinical data presented in the literature, this alteration is expected to result in loss of function by premature protein truncation or nonsense-mediated mRNA decay. Based on the available evidence, this alteration is classified as pathogenic.

Literature cited by the submitters: PubMed 22041456 (cited by Labcorp Genetics (formerly Invitae), Labcorp and Ambry Genetics); PubMed 21318381 (cited by Labcorp Genetics (formerly Invitae), Labcorp and Ambry Genetics); PubMed 19454582 (cited by Labcorp Genetics (formerly Invitae), Labcorp); PubMed 19802898 (cited by Labcorp Genetics (formerly Invitae), Labcorp); PubMed 22138625 (cited by Ambry Genetics).